The following is an entry in ClinVar:

NM_014714.4(IFT140):c.3501C>T (p.Thr1167=)

Gene: IFT140 (intraflagellar transport 140; minus strand). Cytogenetic location: 16p13.3.
Variant type: single nucleotide variant.
Coding change: c.3501C>T on transcript NM_014714.4 (MANE Select); coding-DNA position 3501, C replaced by T.
Protein change: p.Thr1167=; no amino-acid change (threonine 1167 retained).
Molecular consequence: synonymous variant.
Genome position (GRCh38, 1-based): chr16:1,520,761, G>A on the plus strand (C>T on the coding strand, the complement: IFT140 is on the minus strand). VCF-style: chr16-1520761-G-A. GRCh37 (hg19) VCF-style: chr16-1570762-G-A.
Identifiers: ClinVar variation 318009 (VCV000318009.16), dbSNP rs377319314, ClinGen allele CA7813134.

ClinVar aggregate classification (germline): Conflicting classifications of pathogenicity. Review status: criteria provided, conflicting classifications (1 of 4 stars). 3 submissions from 3 submitters: Uncertain significance (1); Likely benign (2). Last evaluated 2026-01-15.

Conditions:
Saldino-Mainzer syndrome (SRTD9). Also called: short-rib thoracic dysplasia 9 with or without polydactyly; SHORT-RIB THORACIC DYSPLASIA 9 WITHOUT POLYDACTYLY; Renal dysplasia, retinal pigmentary dystrophy, cerebellar ataxia and skeletal dysplasia; CONORENAL SYNDROME. Identifiers: Orphanet 140969, MedGen C1849437, MONDO:0009964, OMIM 266920.
IFT140-related disorder. Also called: IFT140-related condition.

Allele frequency attached by ClinVar (database versions not stated): ExAC below 0.00001; gnomAD 0.00001; TOPMed 0.00002; ESP Exome Variant Server 0.00008.
gnomAD v4.1: 37 of 1,608,428 alleles (0.0023%); highest among the groups gnomAD compares: Non-Finnish European, 0.0026%; no homozygotes.

Submissions (3):

Labcorp Genetics (formerly Invitae), Labcorp
Classification: Likely benign for Saldino-Mainzer syndrome. Last evaluated: 2026-01-15. Review status: criteria provided, single submitter. Criteria: Invitae Variant Classification Sherloc (09022015). Collection method: clinical testing. Allele origin: germline.

PreventionGenetics, part of Exact Sciences
Classification: Likely benign for IFT140-related condition. Last evaluated: 2025-04-25. Review status: criteria provided, single submitter. Criteria: ACMG Guidelines, 2015. Collection method: clinical testing. Allele origin: germline.
Comment: This variant is classified as likely benign based on ACMG/AMP sequence variant interpretation guidelines (Richards et al. 2015 PMID: 25741868, with internal and published modifications).

Illumina Laboratory Services, Illumina
Classification: Uncertain significance for Saldino-Mainzer syndrome. Last evaluated: 2018-01-12. Review status: criteria provided, single submitter. Criteria: ICSL Variant Classification Criteria 13 December 2019. Collection method: clinical testing. Allele origin: germline.